The following is an entry in ClinVar:

NM_001035.3(RYR2):c.3069C>T (p.Asp1023=)

Gene: RYR2 (ryanodine receptor 2; plus strand). Cytogenetic location: 1q43.
Variant type: single nucleotide variant.
Coding change: c.3069C>T on transcript NM_001035.3 (MANE Select); coding-DNA position 3069, C replaced by T.
Protein change: p.Asp1023=; no amino-acid change (aspartic acid 1023 retained).
Molecular consequence: synonymous variant.
Genome position (GRCh38, 1-based): chr1:237,550,546, C>T. VCF-style: chr1-237550546-C-T. GRCh37 (hg19) VCF-style: chr1-237713846-C-T.
Other names: c.3069C>T (NM_001035.2).
Identifiers: ClinVar variation 924418 (VCV000924418.14), dbSNP rs751382226, ClinGen allele CA39811590.

ClinVar aggregate classification (germline): Likely benign. Review status: criteria provided, multiple submitters, no conflicts (2 of 4 stars). 4 submissions from 4 submitters: Likely benign (4). Last evaluated 2026-01-27.

Conditions:
Catecholaminergic polymorphic ventricular tachycardia (CVPT). Also called: Catecholamine-induced polymorphic ventricular tachycardia. Identifiers: Orphanet 3286, MedGen C5574922, MONDO:0017990.
Catecholaminergic polymorphic ventricular tachycardia 1. Also called: VENTRICULAR TACHYCARDIA, CATECHOLAMINERGIC POLYMORPHIC, 1, WITH OR WITHOUT ATRIAL DYSFUNCTION AND/OR DILATED CARDIOMYOPATHY; RYR2-Related Catecholaminergic Polymorphic Ventricular Tachycardia; VENTRICULAR TACHYCARDIA, STRESS-INDUCED POLYMORPHIC 1. Identifiers: Orphanet 3286, MedGen C1631597, MONDO:0011484, OMIM 604772.
Cardiovascular phenotype. Identifiers: MedGen CN230736.
Cardiomyopathy (CMYO). Also called: Cardiomyopathies. Identifiers: Orphanet 167848, MedGen C0878544, MONDO:0004994, HP:0001638. Inheritance: Various modes of inheritance.

Allele frequency attached by ClinVar (database versions not stated): gnomAD 0.00001; TOPMed 0.00001; gnomAD exomes 0.00002.
gnomAD v4.1: 31 of 1,608,606 alleles (0.0019%); highest among the groups gnomAD compares: East Asian, 0.011%; no homozygotes.

Submissions (4):

Labcorp Genetics (formerly Invitae), Labcorp
Classification: Likely benign for Catecholaminergic polymorphic ventricular tachycardia 1. Last evaluated: 2026-01-27. Review status: criteria provided, single submitter. Criteria: Invitae Variant Classification Sherloc (09022015). Collection method: clinical testing. Allele origin: germline.

Ambry Genetics
Classification: Likely benign for Cardiovascular phenotype. Last evaluated: 2024-06-14. Review status: criteria provided, single submitter. Criteria: Ambry Variant Classification Scheme 2023. Collection method: clinical testing. Allele origin: germline.

All of Us Research Program, National Institutes of Health
Classification: Likely benign for Catecholaminergic polymorphic ventricular tachycardia. Last evaluated: 2023-12-13. Review status: criteria provided, single submitter. Criteria: ACMG Guidelines, 2015. Collection method: clinical testing. Allele origin: germline. Inheritance: Autosomal dominant inheritance. Observed: 4 variant alleles, 4 heterozygotes.
Comment: This study involves interpretation of variants in research participants for the purpose of population health screening. Participant phenotype was not available at the time of variant classification. Additional details can be found in publication PMID: 35346344, PMCID: PMC8962531

Color Diagnostics, LLC DBA Color Health
Classification: Likely benign for Cardiomyopathy. Last evaluated: 2020-04-28. Review status: criteria provided, single submitter. Criteria: ACMG Guidelines, 2015. Collection method: clinical testing. Allele origin: germline.